The following is an entry in ClinVar:

NM_000528.4(MAN2B1):c.630+29C>T

Gene: MAN2B1 (mannosidase alpha class 2B member 1; minus strand). Cytogenetic location: 19p13.13.
Variant type: single nucleotide variant.
Coding change: c.630+29C>T on transcript NM_000528.4 (MANE Select); 29 bases into the intron after coding-DNA position 630, C replaced by T.
Molecular consequence: intron variant.
Genome position (GRCh38, 1-based): chr19:12,664,763, G>A on the plus strand (C>T on the coding strand, the complement: MAN2B1 is on the minus strand). VCF-style: chr19-12664763-G-A. GRCh37 (hg19) VCF-style: chr19-12775577-G-A.
Other names: c.630+29C>T (NM_001173498.2).
Identifiers: ClinVar variation 673945 (VCV000673945.2), dbSNP rs144337367, ClinGen allele CA9226756.

ClinVar aggregate classification (germline): Likely benign. Review status: criteria provided, multiple submitters, no conflicts (2 of 4 stars). 2 submissions from 2 submitters: Likely benign (2). Last evaluated 2018-06-18.

Allele frequency attached by ClinVar (database versions not stated): gnomAD 0.00170 and 0.00216; TOPMed 0.00173; ESP Exome Variant Server 0.00185; gnomAD exomes 0.00250 and 0.00422; 1000 Genomes Project 30x 0.00328; 1000 Genomes Project 0.00359; ExAC 0.00515.
gnomAD v4.1: 4,029 of 1,603,356 alleles (0.25%); highest among the groups gnomAD compares: Middle Eastern, 2.3%; 36 homozygotes.

Submissions (2):

GeneDx
Classification: Likely benign. Last evaluated: 2018-06-18. Review status: criteria provided, single submitter. Criteria: GeneDx Variant Classification (06012015). Collection method: clinical testing. Allele origin: germline. Affected: yes.
Comment: This variant is considered likely benign or benign based on one or more of the following criteria: it is a conservative change, it occurs at a poorly conserved position in the protein, it is predicted to be benign by multiple in silico algorithms, and/or has population frequency not consistent with disease.

Breakthrough Genomics
Classification: Likely benign. Review status: criteria provided, single submitter. Criteria: ACMG Guidelines, 2015. Collection method: not provided. Allele origin: germline. Inheritance: Autosomal recessive inheritance. Affected: yes.